The following is an entry in ClinVar:

ClinVar aggregate classification (germline): Pathogenic. Review status: criteria provided, multiple submitters, no conflicts (2 of 4 stars). 2 submissions from 2 submitters: Pathogenic (2). Last evaluated 2025-08-29.

Conditions:
Early-infantile DEE. Also called: Early infantile epileptic encephalopathy with suppression bursts; Early infantile epileptic encephalopathy; Ohtahara syndrome. Identifiers: Orphanet 1934, MedGen C0393706, MONDO:0800491.
Severe myoclonic epilepsy in infancy (DRVT). Also called: SEVERE MYOCLONIC EPILEPSY OF INFANCY; DEVELOPMENTAL AND EPILEPTIC ENCEPHALOPATHY 6A; Severe Myoclonic Epilepsy in Infancy (SMEI); Epileptic encephalopathy, early infantile, 6 (Dravet syndrome); Dravet syndrome. Identifiers: Orphanet 33069, MedGen C0751122, MONDO:0100135, OMIM 607208.

Submissions (2):

Labcorp Genetics (formerly Invitae), Labcorp
Classification: Pathogenic for Early-infantile DEE. Last evaluated: 2025-08-29. Review status: criteria provided, single submitter. Criteria: Invitae Variant Classification Sherloc (09022015). Collection method: clinical testing. Allele origin: germline.
Comment: This sequence change creates a premature translational stop signal (p.Trp1204*) in the SCN1A gene. It is expected to result in an absent or disrupted protein product. Loss-of-function variants in SCN1A are known to be pathogenic (PMID: 17347258, 18930999). This variant is not present in population databases (gnomAD no frequency). This premature translational stop signal has been observed in individual(s) with Dravet syndrome (PMID: 11940708, 31864146). This variant is also known as Trp1193X. ClinVar contains an entry for this variant (Variation ID: 1065174). For these reasons, this variant has been classified as Pathogenic.

Centre for Inherited Metabolic Diseases, Karolinska University Hospital
Classification: Pathogenic for Severe myoclonic epilepsy in infancy. Last evaluated: 2021-04-25. Review status: criteria provided, single submitter. Criteria: ACMG Guidelines, 2015. Collection method: clinical testing. Allele origin: de novo. Inheritance: Autosomal dominant inheritance. Affected: yes. Observed: 1 heterozygote.

Literature cited by the submitters: PubMed 17347258 (cited by Labcorp Genetics (formerly Invitae), Labcorp); PubMed 18930999 (cited by Labcorp Genetics (formerly Invitae), Labcorp); PubMed 11940708 (cited by Labcorp Genetics (formerly Invitae), Labcorp); PubMed 31864146 (cited by Labcorp Genetics (formerly Invitae), Labcorp).

NM_001165963.4(SCN1A):c.3612G>A (p.Trp1204Ter)

Genes: SCN1A (sodium voltage-gated channel alpha subunit 1; minus strand), LOC102724058 (uncharacterized LOC102724058; plus strand). Cytogenetic location: 2q24.3.
Variant type: single nucleotide variant.
Coding change: c.3612G>A on transcript NM_001165963.4 (MANE Select); coding-DNA position 3612, G replaced by A.
Protein change: p.Trp1204Ter; replaces tryptophan 1204 with a stop codon.
Molecular consequence: nonsense. On other transcripts: non-coding transcript variant (1).
Genome position (GRCh38, 1-based): chr2:166,013,837, C>T on the plus strand (G>A on the coding strand, the complement: SCN1A is on the minus strand). VCF-style: chr2-166013837-C-T. GRCh37 (hg19) VCF-style: chr2-166870347-C-T.
Other names: c.3528G>A, p.Trp1176Ter (NM_001165964.3, NM_001353957.2, NM_001353958.2); c.3612G>A, p.Trp1204Ter (NM_001202435.3, NM_001353948.2); c.3579G>A, p.Trp1193Ter (NM_001353949.2, NM_001353950.2, NM_001353951.2 and 2 more transcripts); c.3576G>A, p.Trp1192Ter (NM_001353954.2, NM_001353955.2); c.3525G>A, p.Trp1175Ter (NM_001353960.2); c.1170G>A, p.Trp390Ter (NM_001353961.2); short protein forms W1175*, W1176*, W1192*, W1193*, W1204*, W390*.
Identifiers: ClinVar variation 1065174 (VCV001065174.12), dbSNP rs1553532671, ClinGen allele CA349056154.